The following is an entry in ClinVar:

NM_013275.6(ANKRD11):c.2197C>T (p.Arg733Ter)

Gene: ANKRD11 (ankyrin repeat domain 11; minus strand). Cytogenetic location: 16q24.3.
Variant type: single nucleotide variant.
Coding change: c.2197C>T on transcript NM_013275.6 (MANE Select); coding-DNA position 2197, C replaced by T.
Protein change: p.Arg733Ter; replaces arginine 733 with a stop codon.
Molecular consequence: nonsense.
Genome position (GRCh38, 1-based): chr16:89,284,345, G>A on the plus strand (C>T on the coding strand, the complement: ANKRD11 is on the minus strand). VCF-style: chr16-89284345-G-A. GRCh37 (hg19) VCF-style: chr16-89350753-G-A.
Other names: c.2197C>T, p.Arg733Ter (NM_001256182.2, NM_001256183.2); short protein forms R733*.
Identifiers: ClinVar variation 280620 (VCV000280620.43), dbSNP rs886041791, ClinGen allele CA10603433.
Genomic context (GRCh38, chr16:89,284,345, plus strand): 5'-GAGACTTTTCCTTCAGCGATCTCTCCTTTTCTGCTTTATTCGAACGGTCTTTCTCTTCTC[G>A]GAAAGACCTGCTGATGTCTTTGTTTGTGTCTTTGATTCTCTTCAGTGATTTTTCATCTTT-3'

ClinVar aggregate classification (germline): Pathogenic/Likely pathogenic. Review status: criteria provided, multiple submitters, no conflicts (2 of 4 stars). 8 submissions from 8 submitters: Pathogenic (7); Likely pathogenic (1). Last evaluated 2025-05-07.

Conditions:
Inborn genetic diseases. Identifiers: MedGen C0950123, MeSH D030342.
KBG syndrome (KBGS). Also called: ANKRD11-Related KBG Syndrome. Identifiers: Orphanet 2332, MedGen C0220687, MONDO:0007846, OMIM 148050.

Submissions (8):

GeneDx
Classification: Pathogenic. Last evaluated: 2025-05-07. Review status: criteria provided, single submitter. Criteria: GeneDx Variant Classification Process June 2021. Collection method: clinical testing. Allele origin: germline. Affected: yes.
Comment: Nonsense variant predicted to result in protein truncation or nonsense mediated decay in a gene for which loss of function is a known mechanism of disease; Not observed in large population cohorts (gnomAD); This variant is associated with the following publications: (PMID: 33057194, 36446582, 35982159, 34490615, 34971082, 35682590, 31191201, 32124548)

Labcorp Genetics (formerly Invitae), Labcorp
Classification: Pathogenic for KBG syndrome. Last evaluated: 2024-04-17. Review status: criteria provided, single submitter. Criteria: Invitae Variant Classification Sherloc (09022015). Collection method: clinical testing. Allele origin: germline.
Comment: This sequence change creates a premature translational stop signal (p.Arg733*) in the ANKRD11 gene. It is expected to result in an absent or disrupted protein product. Loss-of-function variants in ANKRD11 are known to be pathogenic (PMID: 21782149, 25125236, 25413698, 25652421). This variant is not present in population databases (gnomAD no frequency). This premature translational stop signal has been observed in individual(s) with KBG syndrome (PMID: 34971082). ClinVar contains an entry for this variant (Variation ID: 280620). For these reasons, this variant has been classified as Pathogenic.

Illumina Laboratory Services, Illumina
Classification: Pathogenic for KBG syndrome. Last evaluated: 2023-05-26. Review status: criteria provided, single submitter. Criteria: ICSLVariantClassificationCriteria RUGD 01 April 2020. Collection method: clinical testing. Allele origin: unknown.
Comment: The ANKRD11 c.2197C>T (p.Arg733Ter) nonsense variant is predicted to result in the loss of normal protein function through either protein truncation or nonsense-mediated mRNA decay. This variant has been reported in a de novo state in the literature in individuals with KBG syndrome (PMID: 31191201, 32124548, 34971082, 35682590). This variant is not observed in version 2.1.1 or version 3.1.2 of the Genome Aggregation Database. This variant was identified in a de novo state. Based on the available evidence, the c.2197C>T (p.Arg733Ter) variant is classified as pathogenic for KBG syndrome.

CeGaT Center for Human Genetics Tuebingen
Classification: Pathogenic. Last evaluated: 2023-01-01. Review status: criteria provided, single submitter. Criteria: CeGaT Center For Human Genetics Tuebingen Variant Classification Criteria Version 2. Collection method: clinical testing. Allele origin: germline. Affected: yes. Observed: 1 variant allele.

Medical Cytogenetics and Molecular Genetics Laboratory, IRCCS Istituto Auxologico Italiano
Classification: Pathogenic for KBG syndrome. Last evaluated: 2021-11-01. Review status: criteria provided, single submitter. Criteria: ACMG Guidelines, 2015. Collection method: research. Allele origin: germline. Affected: yes. Observed: 1 variant allele.

Laboratoire Génétique Moléculaire, CHRU TOURS
Classification: Pathogenic. Last evaluated: 2019-01-14. Review status: criteria provided, single submitter. Criteria: ACMG Guidelines, 2015. Collection method: clinical testing. Allele origin: de novo. Affected: yes.

HudsonAlpha Institute for Biotechnology
Classification: Likely pathogenic for KBG syndrome. Last evaluated: 2017-03-09. Review status: criteria provided, single submitter. Criteria: HA_assertions_20161101. Collection method: research. Allele origin: maternal. Affected: yes. Observed: 1 variant allele. Study: CSER-HudsonAlpha.

Ambry Genetics
Classification: Pathogenic for Inborn genetic diseases. Last evaluated: 2017-01-12. Review status: criteria provided, single submitter. Criteria: Ambry exome assertion method (8-5-2015). Collection method: clinical testing. Allele origin: germline. Affected: yes. Observed: 1 variant allele.

Literature cited by the submitters: PubMed 21782149 (cited by Labcorp Genetics (formerly Invitae), Labcorp); PubMed 25125236 (cited by Labcorp Genetics (formerly Invitae), Labcorp); PubMed 25413698 (cited by Labcorp Genetics (formerly Invitae), Labcorp); PubMed 25652421 (cited by Labcorp Genetics (formerly Invitae), Labcorp); PubMed 34971082 (cited by Labcorp Genetics (formerly Invitae), Labcorp).